The following is an entry in ClinVar:

NC_000021.8:g.(?_44486453)_(44486477_?)del

Gene: CBS (cystathionine beta-synthase; minus strand). Cytogenetic location: 21q22.3.
Variant type: Deletion.
Identifiers: ClinVar variation 2422300 (VCV002422300.3).

ClinVar aggregate classification (germline): Pathogenic (1 of 4 stars; one submission).

Conditions:
HYPERHOMOCYSTEINEMIA, THROMBOTIC, CBS-RELATED. Identifiers: MedGen C3150344, OMIM 236200.

Submission:

Labcorp Genetics (formerly Invitae), Labcorp
Classification: Pathogenic for HYPERHOMOCYSTEINEMIA, THROMBOTIC, CBS-RELATED. Last evaluated: 2021-11-11. Review status: criteria provided, single submitter. Criteria: Invitae Variant Classification Sherloc (09022015). Collection method: clinical testing. Allele origin: germline.
Comment: This sequence change creates a premature translational stop signal (p.Glu110Glnfs*3) in the CBS gene. It is expected to result in an absent or disrupted protein product. Loss-of-function variants in CBS are known to be pathogenic (PMID: 10338090, 12124992). Information on the frequency of this variant in the gnomAD database is not available, as this variant may be reported differently in the database. This variant has not been reported in the literature in individuals affected with CBS-related conditions. For these reasons, this variant has been classified as Pathogenic.

Literature cited by the submitters: PubMed 10338090; PubMed 12124992.